The following is an entry in ClinVar:

NM_004612.4(TGFBR1):c.1126A>G (p.Lys376Glu)

Gene: TGFBR1 (transforming growth factor beta receptor 1; plus strand). Cytogenetic location: 9q22.33.
Variant type: single nucleotide variant.
Coding change: c.1126A>G on transcript NM_004612.4 (MANE Select); coding-DNA position 1126, A replaced by G.
Protein change: p.Lys376Glu; replaces lysine 376 with glutamic acid.
Molecular consequence: missense variant.
Genome position (GRCh38, 1-based): chr9:99,144,884, A>G. VCF-style: chr9-99144884-A-G. GRCh37 (hg19) VCF-style: chr9-101907166-A-G.
Other names: c.895A>G, p.Lys299Glu (NM_001130916.3); c.1138A>G, p.Lys380Glu (NM_001306210.2); short protein forms K299E, K376E, K380E.
Identifiers: ClinVar variation 1310495 (VCV001310495.9), dbSNP rs2118807458, ClinGen allele CA374231785.
Genomic context (GRCh38, chr9:99,144,884, plus strand): 5'-GTAAGACATGATTCAGCCACAGATACCATTGATATTGCTCCAAACCACAGAGTGGGAACA[A>G]AAAGGTATACTTTTGAACAACTATATTTAATATCTTCTGAAATCACCTTTTTTCCCTTCT-3'
Protein context (NP_004603.1, residues 366-386): DIAPNHRVGT[Lys376Glu]RYMAPEVLDD

ClinVar aggregate classification (germline): Pathogenic. Review status: criteria provided, multiple submitters, no conflicts (2 of 4 stars). 2 submissions from 2 submitters: Pathogenic (2). Last evaluated 2026-01-16.

Conditions:
Familial thoracic aortic aneurysm and aortic dissection (TAAD). Also called: Thoracic aortic aneurysms and dissections. Identifiers: Orphanet 91387, MedGen C4707243, MONDO:0019625.

Submissions (2):

GeneDx
Classification: Pathogenic. Last evaluated: 2026-01-16. Review status: criteria provided, single submitter. Criteria: GeneDx Variant Classification Process June 2021. Collection method: clinical testing. Allele origin: germline. Affected: yes.
Comment: Published functional studies demonstrate a loss-of-function effect; loss-of-function variants in the TGFBR1gene are not a known mechanism for Loeys-Dietz syndrome (PMID: 30701076); Not observed at significant frequency in large population cohorts (gnomAD); In silico analysis supports that this missense variant has a deleterious effect on protein structure/function; This variant is associated with the following publications: (PMID: 32129152, 30701076, 32352226)

Labcorp Genetics (formerly Invitae), Labcorp
Classification: Pathogenic for Familial thoracic aortic aneurysm and aortic dissection. Last evaluated: 2022-10-26. Review status: criteria provided, single submitter. Criteria: Invitae Variant Classification Sherloc (09022015). Collection method: clinical testing. Allele origin: germline.
Comment: For these reasons, this variant has been classified as Pathogenic. Experimental studies have shown that this missense change affects TGFBR1 function (PMID: 30701076). Advanced modeling of protein sequence and biophysical properties (such as structural, functional, and spatial information, amino acid conservation, physicochemical variation, residue mobility, and thermodynamic stability) performed at Invitae indicates that this missense variant is expected to disrupt TGFBR1 protein function. ClinVar contains an entry for this variant (Variation ID: 1310495). This missense change has been observed in individual(s) with clinical features of Loeys-Dietz syndrome (PMID: 30701076, 32352226; Invitae). In at least one individual the variant was observed to be de novo. This variant is not present in population databases (gnomAD no frequency). This sequence change replaces lysine, which is basic and polar, with glutamic acid, which is acidic and polar, at codon 376 of the TGFBR1 protein (p.Lys376Glu).

Literature cited by the submitters: PubMed 30701076 (cited by Labcorp Genetics (formerly Invitae), Labcorp); PubMed 32352226 (cited by Labcorp Genetics (formerly Invitae), Labcorp).